The following is an entry in ClinVar:

ClinVar aggregate classification (germline): Uncertain significance (1 of 4 stars; one submission).

Submission:

GeneDx
Classification: Uncertain significance. Last evaluated: 2022-02-03. Review status: criteria provided, single submitter. Criteria: GeneDx Variant Classification Process June 2021. Collection method: clinical testing. Allele origin: germline. Affected: yes.
Comment: Not observed at significant frequency in large population cohorts (gnomAD); Frameshift variant predicted to result in protein truncation or nonsense mediated decay in a gene for which loss-of-function is not a known mechanism of disease; Has not been previously published as pathogenic or benign to our knowledge; Variants in candidate genes are classified as variants of uncertain significance in accordance with ACMG guidelines (Richards et al., 2015)

NM_030752.3(TCP1):c.934_935del (p.Leu312fs)

Gene: TCP1 (t-complex 1; minus strand). Cytogenetic location: 6q25.3.
Variant type: Deletion.
Coding change: c.934_935del on transcript NM_030752.3 (MANE Select); coding-DNA positions 934 to 935, 2 bases deleted (TT; older notation c.934_935delTT).
Protein change: p.Leu312fs; shifts the reading frame from leucine 312.
Molecular consequence: frameshift variant.
Genome position (GRCh38, 1-based): chr6:159,780,973-159,780,974, AA deleted on the plus strand (TT on the coding strand, the reverse complement: TCP1 is on the minus strand); deleting any 2 consecutive bases within chr6:159,780,973-159,780,976 gives the same sequence; the c. name uses the placement nearest the transcript's 3' end. VCF-style (leftmost placement, unchanged base first): chr6-159780972-TAA-T. GRCh37 (hg19) VCF-style: chr6-160202004-TAA-T.
Other names: c.469_470del, p.Leu157fs (NM_001008897.2); short protein forms L157fs, L312fs.
Identifiers: ClinVar variation 3777356 (VCV003777356.1).